The following is an entry in ClinVar:

NM_001002294.3(FMO3):c.775C>T (p.Gln259Ter)

Gene: FMO3 (flavin containing dimethylaniline monoxygenase 3; plus strand). Cytogenetic location: 1q24.3.
Variant type: single nucleotide variant.
Coding change: c.775C>T on transcript NM_001002294.3 (MANE Select); coding-DNA position 775, C replaced by T.
Protein change: p.Gln259Ter; replaces glutamine 259 with a stop codon.
Molecular consequence: nonsense.
Genome position (GRCh38, 1-based): chr1:171,110,945, C>T. VCF-style: chr1-171110945-C-T. GRCh37 (hg19) VCF-style: chr1-171080086-C-T.
Other names: c.715C>T, p.Gln239Ter (NM_001319173.2); c.586C>T, p.Gln196Ter (NM_001319174.2); c.775C>T, p.Gln259Ter (NM_006894.6); short protein forms Q196*, Q259*, Q239*.
Identifiers: ClinVar variation 2734480 (VCV002734480.4), dbSNP rs1655882215, ClinGen allele CA343186566.

ClinVar aggregate classification (germline): Pathogenic. Review status: criteria provided, multiple submitters, no conflicts (2 of 4 stars). 2 submissions from 2 submitters: Pathogenic (2). Last evaluated 2025-02-09.

Conditions:
Trimethylaminuria (TMAU). Also called: FISH-ODOR SYNDROME; Fish malodor syndrome; Stale fish syndrome; TMAuria; Primary Trimethylaminuria. Identifiers: MedGen C0342739, MONDO:0011182, OMIM 602079, HP:0003614. Disease mechanism: loss of function.

Allele frequency attached by ClinVar (database versions not stated): gnomAD exomes below 0.00001; gnomAD 0.00001.
gnomAD v4.1: 3 of 1,613,818 alleles (0.00019%); highest among the groups gnomAD compares: African/African-American, 0.004%; no homozygotes.

Submissions (2):

Myriad Genetics, Inc.
Classification: Pathogenic for Trimethylaminuria. Last evaluated: 2025-02-09. Review status: criteria provided, single submitter. Criteria: Myriad Autosomal Dominant, Autosomal Recessive and X-Linked Classification Criteria (2023). Collection method: clinical testing. Allele origin: unknown.
Comment: NM_001002294.2(FMO3):c.775C>T(Q259*) is expected to be pathogenic in the context of primary trimethylaminuria. This variant is predicted to lead to an abnormal or absent protein product due to the creation of a premature termination codon in FMO3, a gene where loss-of-function variants are known to be pathogenic. Please note: this variant was assessed in the context of healthy population screening.

Labcorp Genetics (formerly Invitae), Labcorp
Classification: Pathogenic. Last evaluated: 2023-07-01. Review status: criteria provided, single submitter. Criteria: Invitae Variant Classification Sherloc (09022015). Collection method: clinical testing. Allele origin: germline.
Comment: This variant is not present in population databases (gnomAD no frequency). This sequence change creates a premature translational stop signal (p.Gln259*) in the FMO3 gene. It is expected to result in an absent or disrupted protein product. Loss-of-function variants in FMO3 are known to be pathogenic (PMID: 20301282). This variant has not been reported in the literature in individuals affected with FMO3-related conditions. For these reasons, this variant has been classified as Pathogenic.

Literature cited by the submitters: PubMed 20301282 (cited by Labcorp Genetics (formerly Invitae), Labcorp).